The following is an entry in ClinVar:

NM_001351132.2(PEX5):c.1319_1320del (p.Val440fs)

Gene: PEX5 (peroxisomal biogenesis factor 5; plus strand). Cytogenetic location: 12p13.31.
Variant type: Deletion.
Coding change: c.1319_1320del on transcript NM_001351132.2 (MANE Select); coding-DNA positions 1319 to 1320, 2 bases deleted (TG; older notation c.1319_1320delTG).
Protein change: p.Val440fs; shifts the reading frame from valine 440.
Molecular consequence: frameshift variant.
Genome position (GRCh38, 1-based): chr12:7,208,594-7,208,595, TG deleted; deleting any 2 consecutive bases within chr12:7,208,593-7,208,595 gives the same sequence; the c. name uses the placement nearest the transcript's 3' end. VCF-style (leftmost placement, unchanged base first): chr12-7208592-GGT-G. GRCh37 (hg19) VCF-style: chr12-7361188-GGT-G.
Other names: c.1295_1296del, p.Val432fs (NM_000319.5); c.1364_1365del, p.Val455fs (NM_001131023.2); c.1208_1209del, p.Val403fs (NM_001131024.2, NM_001351137.3, NM_001351124.3 and 7 more transcripts); c.1319_1320del, p.Val440fs (NM_001351133.2, NM_001351134.2, NM_001131025.2 and 4 more transcripts); c.1253_1254del, p.Val418fs (NM_001351135.3, NM_001351138.2); c.1310_1311del, p.Val437fs (NM_001351136.2); c.1184_1185del, p.Val395fs (NM_001351139.2, NM_001351140.2, NM_001374649.2); short protein forms V403fs, V432fs, V437fs, V395fs, V440fs, V418fs, V455fs.
Identifiers: ClinVar variation 2088202 (VCV002088202.4), dbSNP rs2540275433, ClinGen allele CA2580086286.

ClinVar aggregate classification (germline): Pathogenic (1 of 4 stars; one submission).

Conditions:
Peroxisome biogenesis disorder 2B (PBD2B). Identifiers: Orphanet 44, MedGen C3550234, MONDO:0008736, OMIM 202370.

Submission:

Labcorp Genetics (formerly Invitae), Labcorp
Classification: Pathogenic for Peroxisome biogenesis disorder 2B. Last evaluated: 2022-04-06. Review status: criteria provided, single submitter. Criteria: Invitae Variant Classification Sherloc (09022015). Collection method: clinical testing. Allele origin: germline.
Comment: This variant has not been reported in the literature in individuals affected with PEX5-related conditions. This variant is not present in population databases (gnomAD no frequency). This sequence change creates a premature translational stop signal (p.Val440Aspfs*4) in the PEX5 gene. It is expected to result in an absent or disrupted protein product. Loss-of-function variants in PEX5 are known to be pathogenic (PMID: 18712838, 21031596). For these reasons, this variant has been classified as Pathogenic.

Literature cited by the submitters: PubMed 18712838; PubMed 21031596.